The following is an entry in ClinVar:

NM_000038.6(APC):c.64A>C (p.Asn22His)

Gene: APC (APC regulator of Wnt signaling pathway; plus strand). Cytogenetic location: 5q22.2.
Variant type: single nucleotide variant.
Coding change: c.64A>C on transcript NM_000038.6 (MANE Select); coding-DNA position 64, A replaced by C.
Protein change: p.Asn22His; replaces asparagine 22 with histidine.
Molecular consequence: missense variant. On other transcripts: 5 prime UTR variant (1), intron variant (8).
Genome position (GRCh38, 1-based): chr5:112,754,954, A>C. VCF-style: chr5-112754954-A-C. GRCh37 (hg19) VCF-style: chr5-112090651-A-C.
Other names: c.64A>C, p.Asn22His (NM_001127510.3, NM_001354895.2, NM_001354896.2 and 2 more transcripts); c.-972A>C (NM_001354906.2); c.166-11372A>C (NM_001354897.2, NM_001354902.2, NM_001127511.3); c.61-11372A>C (NM_001354898.2, NM_001354904.2); c.-42-11372A>C (NM_001354900.2, NM_001354901.2, NM_001354905.2); short protein forms N22H.
Identifiers: ClinVar variation 838438 (VCV000838438.50), dbSNP rs1415062077, ClinGen allele CA16021479.

ClinVar aggregate classification (germline): Uncertain significance. Review status: criteria provided, multiple submitters, no conflicts (2 of 4 stars). 2 submissions from 2 submitters: Uncertain significance (2). Last evaluated 2025-06-02.

Conditions:
Familial adenomatous polyposis 1 (FAP1). Also called: FAMILIAL ADENOMATOUS POLYPOSIS 1, ATTENUATED; POLYPOSIS, ADENOMATOUS INTESTINAL. Identifiers: MedGen C2713442, MONDO:0021056, OMIM 175100. Disease mechanism: loss of function.
Hereditary cancer-predisposing syndrome. Also called: Neoplastic Syndromes, Hereditary; Tumor predisposition; Hereditary neoplastic syndrome; Hereditary Cancer Syndrome. Identifiers: Orphanet 140162, MedGen C0027672, MeSH D009386, MONDO:0015356.

Submissions (2):

Labcorp Genetics (formerly Invitae), Labcorp
Classification: Uncertain significance for Familial adenomatous polyposis 1. Last evaluated: 2025-06-02. Review status: criteria provided, single submitter. Criteria: Invitae Variant Classification Sherloc (09022015). Collection method: clinical testing. Allele origin: germline.
Comment: This sequence change replaces asparagine, which is neutral and polar, with histidine, which is basic and polar, at codon 22 of the APC protein (p.Asn22His). This variant is not present in population databases (gnomAD no frequency). This variant has not been reported in the literature in individuals affected with APC-related conditions. ClinVar contains an entry for this variant (Variation ID: 838438). Invitae Evidence Modeling of protein sequence and biophysical properties (such as structural, functional, and spatial information, amino acid conservation, physicochemical variation, residue mobility, and thermodynamic stability) indicates that this missense variant is not expected to disrupt APC protein function with a negative predictive value of 95%. In summary, the available evidence is currently insufficient to determine the role of this variant in disease. Therefore, it has been classified as a Variant of Uncertain Significance.

Ambry Genetics
Classification: Uncertain significance for Hereditary cancer-predisposing syndrome. Last evaluated: 2024-05-11. Review status: criteria provided, single submitter. Criteria: Ambry Variant Classification Scheme 2023. Collection method: clinical testing. Allele origin: germline.
Comment: The p.N22H variant (also known as c.64A>C), located in coding exon 1 of the APC gene, results from an A to C substitution at nucleotide position 64. The asparagine at codon 22 is replaced by histidine, an amino acid with similar properties. This amino acid position is conserved. In addition, in silico predictors for this gene do not accurately predict pathogenicity. Based on the available evidence, the clinical significance of this variant remains unclear.